The following is an entry in ClinVar:

NM_001008537.3(NEXMIF):c.1275_1276delinsAT (p.Gln426Ter)

Gene: NEXMIF (neurite extension and migration factor; minus strand). Cytogenetic location: Xq13.3.
Variant type: Indel.
Coding change: c.1275_1276delinsAT on transcript NM_001008537.3 (MANE Select); coding-DNA positions 1275 to 1276, GC replaced by AT.
Protein change: p.Gln426Ter; replaces glutamine 426 with a stop codon.
Molecular consequence: nonsense.
Genome position (GRCh38, 1-based): chrX:74,743,281-74,743,282, GC replaced by AT on the plus strand (GC replaced by AT on the coding strand, the reverse complement: NEXMIF is on the minus strand). VCF-style: chrX-74743281-GC-AT. GRCh37 (hg19) VCF-style: chrX-73963116-GC-AT.
Other names: short protein forms Q426*.
Identifiers: ClinVar variation 2502347 (VCV002502347.1), dbSNP rs2519915600, ClinGen allele CA2580612366.

ClinVar aggregate classification (germline): Likely pathogenic (1 of 4 stars; one submission).

Conditions:
X-linked intellectual disability, Cantagrel type (XLID98). Also called: INTELLECTUAL DEVELOPMENTAL DISORDER, X-LINKED 98. Identifiers: Orphanet 85277, MedGen C3806730, MONDO:0010483, OMIM 300912.

Submission:

Institute of Human Genetics, University of Leipzig Medical Center
Classification: Likely pathogenic for X-linked intellectual disability, Cantagrel type. Last evaluated: 2023-04-19. Review status: criteria provided, single submitter. Criteria: ACMG Guidelines, 2015. Collection method: clinical testing. Allele origin: unknown. Affected: yes.
Comment: _x000D_ Criteria applied: PVS1, PM2_SUP